The following is an entry in ClinVar:

ClinVar aggregate classification (germline): Uncertain significance. Review status: criteria provided, multiple submitters, no conflicts (2 of 4 stars). 3 submissions from 3 submitters: Uncertain significance (3). Last evaluated 2025-01-30.

Conditions:
Myopathy, centronuclear, 2 (CNM2). Also called: MYOTUBULAR MYOPATHY, AUTOSOMAL RECESSIVE. Identifiers: Orphanet 169186, MedGen CN031787, MONDO:0009709, OMIM 255200.
Inborn genetic diseases. Identifiers: MedGen C0950123, MeSH D030342.

Allele frequency attached by ClinVar (database versions not stated): gnomAD 0.00001.
gnomAD v4.1: 2 of 1,613,430 alleles (0.00012%); highest among the groups gnomAD compares: African/African-American, 0.0013%; no homozygotes.

Submissions (3):

Labcorp Genetics (formerly Invitae), Labcorp
Classification: Uncertain significance for Myopathy, centronuclear, 2. Last evaluated: 2025-01-30. Review status: criteria provided, single submitter. Criteria: Invitae Variant Classification Sherloc (09022015). Collection method: clinical testing. Allele origin: germline.
Comment: This sequence change replaces glutamic acid, which is acidic and polar, with glutamine, which is neutral and polar, at codon 479 of the BIN1 protein (p.Glu479Gln). This variant is not present in population databases (gnomAD no frequency). This variant has not been reported in the literature in individuals affected with BIN1-related conditions. ClinVar contains an entry for this variant (Variation ID: 1305343). An algorithm developed to predict the effect of missense changes on protein structure and function (PolyPhen-2) suggests that this variant is likely to be tolerated. In summary, the available evidence is currently insufficient to determine the role of this variant in disease. Therefore, it has been classified as a Variant of Uncertain Significance.

Ambry Genetics
Classification: Uncertain significance for Inborn genetic diseases. Last evaluated: 2022-05-10. Review status: criteria provided, single submitter. Criteria: Ambry Variant Classification Scheme 2023. Collection method: clinical testing. Allele origin: germline.

GeneDx
Classification: Uncertain significance. Last evaluated: 2019-05-01. Review status: criteria provided, single submitter. Criteria: GeneDx Variant Classification Process June 2021. Collection method: clinical testing. Allele origin: germline. Affected: yes.
Comment: Not observed in large population cohorts (Lek et al., 2016); In silico analysis, which includes protein predictors and evolutionary conservation, supports that this variant does not alter protein structure/function; Has not been previously published as pathogenic or benign to our knowledge

NM_139343.3(BIN1):c.1435G>C (p.Glu479Gln)

Gene: BIN1 (bridging integrator 1; minus strand). Cytogenetic location: 2q14.3.
Variant type: single nucleotide variant.
Coding change: c.1435G>C on transcript NM_139343.3 (MANE Select); coding-DNA position 1435, G replaced by C.
Protein change: p.Glu479Gln; replaces glutamic acid 479 with glutamine.
Molecular consequence: missense variant. On other transcripts: intron variant (3).
Genome position (GRCh38, 1-based): chr2:127,051,180, C>G on the plus strand (G>C on the coding strand, the complement: BIN1 is on the minus strand). VCF-style: chr2-127051180-C-G. GRCh37 (hg19) VCF-style: chr2-127808756-C-G.
Other names: c.1066G>C, p.Glu356Gln (NM_001320633.2); c.1195G>C, p.Glu399Gln (NM_001320640.2); c.1342G>C, p.Glu448Gln (NM_001320641.2); c.1354G>C, p.Glu452Gln (NM_001320642.1); c.1018G>C, p.Glu340Gln (NM_004305.4); c.1306G>C, p.Glu436Gln (NM_139344.3); c.1174G>C, p.Glu392Gln (NM_139345.3); c.1147G>C, p.Glu383Gln (NM_139346.3); and 7 more; short protein forms E325Q, E340Q, E356Q, E361Q, E368Q, E383Q, E392Q, E399Q.
Identifiers: ClinVar variation 1305343 (VCV001305343.5), dbSNP rs865803817, ClinGen allele CA348375547.